The following is an entry in ClinVar:

NM_001374623.1(PNPLA1):c.655C>A (p.Gln219Lys)

Gene: PNPLA1 (patatin like domain 1, omega-hydroxyceramide transacylase; plus strand). Cytogenetic location: 6p21.31.
Variant type: single nucleotide variant.
Coding change: c.655C>A on transcript NM_001374623.1 (MANE Select); coding-DNA position 655, C replaced by A.
Protein change: p.Gln219Lys; replaces glutamine 219 with lysine.
Molecular consequence: missense variant.
Genome position (GRCh38, 1-based): chr6:36,294,340, C>A. VCF-style: chr6-36294340-C-A. GRCh37 (hg19) VCF-style: chr6-36262117-C-A.
Other names: c.397C>A, p.Gln133Lys (NM_001145716.2); c.655C>A, p.Gln219Lys (NM_001145717.1); c.370C>A, p.Gln124Lys (NM_173676.2); short protein forms Q124K, Q133K, Q219K.
Identifiers: ClinVar variation 4735193 (VCV004735193.1).

ClinVar aggregate classification (germline): Uncertain significance (1 of 4 stars; one submission).

Submission:

Labcorp Genetics (formerly Invitae), Labcorp
Classification: Uncertain significance. Last evaluated: 2026-01-12. Review status: criteria provided, single submitter. Criteria: Invitae Variant Classification Sherloc (09022015). Collection method: clinical testing. Allele origin: germline.
Comment: This sequence change replaces glutamine, which is neutral and polar, with lysine, which is basic and polar, at codon 219 of the PNPLA1 protein (p.Gln219Lys). This variant is not present in population databases (gnomAD no frequency). This variant has not been reported in the literature in individuals affected with PNPLA1-related conditions. An algorithm developed to predict the effect of missense changes on protein structure and function (PolyPhen-2) suggests that this variant is likely to be disruptive. In summary, the available evidence is currently insufficient to determine the role of this variant in disease. Therefore, it has been classified as a Variant of Uncertain Significance.